The following is an entry in ClinVar:

NM_014028.4(OSTM1):c.295A>G (p.Thr99Ala)

Gene: OSTM1 (osteoclastogenesis associated transmembrane protein 1; minus strand). Cytogenetic location: 6q21.
Variant type: single nucleotide variant.
Coding change: c.295A>G on transcript NM_014028.4 (MANE Select); coding-DNA position 295, A replaced by G.
Protein change: p.Thr99Ala; replaces threonine 99 with alanine.
Molecular consequence: missense variant.
Genome position (GRCh38, 1-based): chr6:108,074,357, T>C on the plus strand (A>G on the coding strand, the complement: OSTM1 is on the minus strand). VCF-style: chr6-108074357-T-C. GRCh37 (hg19) VCF-style: chr6-108395561-T-C.
Other names: c.295A>G (NM_014028.3); short protein forms T99A.
Identifiers: ClinVar variation 1945929 (VCV001945929.3), dbSNP rs776415795, ClinGen allele CA3948099.

ClinVar aggregate classification (germline): Uncertain significance. Review status: criteria provided, multiple submitters, no conflicts (2 of 4 stars). 2 submissions from 2 submitters: Uncertain significance (2). Last evaluated 2025-08-02.

Conditions:
Inborn genetic diseases. Identifiers: MedGen C0950123, MeSH D030342.

Allele frequency attached by ClinVar (database versions not stated): TOPMed below 0.00001; ExAC 0.00002.

Submissions (2):

Ambry Genetics
Classification: Uncertain significance for Inborn genetic diseases. Last evaluated: 2025-08-02. Review status: criteria provided, single submitter. Criteria: Ambry Variant Classification Scheme 2023. Collection method: clinical testing. Allele origin: germline.

Labcorp Genetics (formerly Invitae), Labcorp
Classification: Uncertain significance. Last evaluated: 2021-12-08. Review status: criteria provided, single submitter. Criteria: Invitae Variant Classification Sherloc (09022015). Collection method: clinical testing. Allele origin: germline.
Comment: This sequence change replaces threonine, which is neutral and polar, with alanine, which is neutral and non-polar, at codon 99 of the OSTM1 protein (p.Thr99Ala). This variant is present in population databases (rs776415795, gnomAD 0.006%). This variant has not been reported in the literature in individuals affected with OSTM1-related conditions. Algorithms developed to predict the effect of missense changes on protein structure and function are either unavailable or do not agree on the potential impact of this missense change (SIFT: "Tolerated"; PolyPhen-2: "Possibly Damaging"; Align-GVGD: "Class C0"). In summary, the available evidence is currently insufficient to determine the role of this variant in disease. Therefore, it has been classified as a Variant of Uncertain Significance.